The following is an entry in ClinVar:

ClinVar aggregate classification (germline): Uncertain significance (1 of 4 stars; one submission).

Conditions:
Muscle AMP deaminase deficiency (MMDD). Also called: ADENOSINE MONOPHOSPHATE DEAMINASE-1 DEFICIENCY, MYOPATHY DUE TO; AMPD1 DEFICIENCY; Myoadenylate deaminase deficiency, myopathy due to; Adenosine monophosphate deaminase 1 deficiency; AMP deaminase 1 deficiency; Adenosine Monophosphate Deaminase 1. Identifiers: Orphanet 45, MedGen C3714933, MONDO:0014220, OMIM 615511.

gnomAD v4.1: 4 of 1,613,822 alleles (0.00025%); highest among the groups gnomAD compares: Non-Finnish European, 0.00034%; no homozygotes.

Submission:

Labcorp Genetics (formerly Invitae), Labcorp
Classification: Uncertain significance for Muscle AMP deaminase deficiency. Last evaluated: 2021-06-27. Review status: criteria provided, single submitter. Criteria: Invitae Variant Classification Sherloc (09022015). Collection method: clinical testing. Allele origin: germline.
Comment: Algorithms developed to predict the effect of missense changes on protein structure and function (SIFT, PolyPhen-2, Align-GVGD) all suggest that this variant is likely to be tolerated, but these predictions have not been confirmed by published functional studies and their clinical significance is uncertain. In summary, the available evidence is currently insufficient to determine the role of this variant in disease. Therefore, it has been classified as a Variant of Uncertain Significance. This variant has not been reported in the literature in individuals with AMPD1-related conditions. This variant is not present in population databases (ExAC no frequency). This sequence change replaces aspartic acid with glutamic acid at codon 314 of the AMPD1 protein (p.Asp314Glu). The aspartic acid residue is weakly conserved and there is a small physicochemical difference between aspartic acid and glutamic acid.

NM_000036.3(AMPD1):c.843C>G (p.Asp281Glu)

Gene: AMPD1 (adenosine monophosphate deaminase 1; minus strand). Cytogenetic location: 1p13.2.
Variant type: single nucleotide variant.
Coding change: c.843C>G on transcript NM_000036.3 (MANE Select); coding-DNA position 843, C replaced by G.
Protein change: p.Asp281Glu; replaces aspartic acid 281 with glutamic acid.
Molecular consequence: missense variant.
Genome position (GRCh38, 1-based): chr1:114,679,633, G>C on the plus strand (C>G on the coding strand, the complement: AMPD1 is on the minus strand). VCF-style: chr1-114679633-G-C. GRCh37 (hg19) VCF-style: chr1-115222254-G-C.
Other names: c.831C>G, p.Asp277Glu (NM_001172626.2); short protein forms D277E, D281E.
Identifiers: ClinVar variation 1473311 (VCV001473311.8), dbSNP rs145030449, ClinGen allele CA341750090.